The following is an entry in ClinVar:

NM_001365276.2(TNXB):c.7826-1G>C

Gene: TNXB (tenascin XB; minus strand). Cytogenetic location: 6p21.33.
Variant type: single nucleotide variant.
Coding change: c.7826-1G>C on transcript NM_001365276.2 (MANE Select); the canonical splice acceptor site of the intron before coding-DNA position 7826, G replaced by C.
Molecular consequence: splice acceptor variant.
Genome position (GRCh38, 1-based): chr6:32,056,904, C>G on the plus strand (G>C on the coding strand, the complement: TNXB is on the minus strand). VCF-style: chr6-32056904-C-G. GRCh37 (hg19) VCF-style: chr6-32024681-C-G.
Other names: c.7826-1G>C (NM_019105.8).
Identifiers: ClinVar variation 1323700 (VCV001323700.14), dbSNP rs200357005, ClinGen allele CA3734024.

ClinVar aggregate classification (germline): Pathogenic/Likely pathogenic. Review status: criteria provided, multiple submitters, no conflicts (2 of 4 stars). 7 submissions from 7 submitters: Pathogenic (3); Likely pathogenic (4). Last evaluated 2025-12-23.

Conditions:
TNXB-related disorder. Also called: TNXB-related condition.
Cardiovascular phenotype. Identifiers: MedGen CN230736.
Ehlers-Danlos syndrome due to tenascin-X deficiency (EDSCLL1). Also called: EDS DUE TO TNX DEFICIENCY; TNX DEFICIENCY; EHLERS-DANLOS SYNDROME, CLASSIC-LIKE; Ehlers-Danlos syndrome, classic-like, 1; TNXB-Related Classical-Like Ehlers-Danlos Syndrome. Identifiers: Orphanet 230839, MedGen C1848029, MONDO:0011670, OMIM 606408.
Vesicoureteral reflux 8 (VUR8). Identifiers: Orphanet 289365, MedGen C4014831, MONDO:0014422, OMIM 615963.

Allele frequency attached by ClinVar (database versions not stated): gnomAD 0.00001; TOPMed 0.00002.
gnomAD v4.1: 12 of 1,610,796 alleles (0.00074%); highest among the groups gnomAD compares: Non-Finnish European, 0.00093%; no homozygotes.

Submissions (7):

Women's Health and Genetics/Laboratory Corporation of America, LabCorp
Classification: Likely pathogenic for Ehlers-Danlos syndrome due to tenascin-X deficiency. Last evaluated: 2025-12-23. Review status: criteria provided, single submitter. Criteria: LabCorp Variant Classification Summary - May 2015. Collection method: clinical testing. Allele origin: germline.
Comment: Variant summary: TNXB c.7826-1G>C is located in a canonical splice-site and is predicted to affect mRNA splicing resulting in a significantly altered protein due to either exon skipping, shortening, or inclusion of intronic material. Variants that disrupt the consensus splice site are a relatively common cause of aberrant splicing and loss of TNXB function. Several computational tools predict a significant impact on normal splicing: Three predict the variant abolishes a 3' acceptor site. Five predict the variant creates a 3' acceptor site. However, these predictions have yet to be confirmed by functional studies. The variant allele was found at a frequency of 1.2e-05 in 244474 control chromosomes. c.7826-1G>C has been observed in individual(s) affected with Ehlers-Danlos syndrome due to tenascin-X deficiency (Demirdas_2017, Brisset_2020). These data indicate that the variant may be associated with disease. To our knowledge, no experimental evidence demonstrating an impact on protein function has been reported. The following publications have been ascertained in the context of this evaluation (PMID: 32988710, 27582382, 39807789). ClinVar contains an entry for this variant (Variation ID: 1323700). Based on the evidence outlined above, the variant was classified as likely pathogenic.

Ambry Genetics
Classification: Pathogenic for Cardiovascular phenotype. Last evaluated: 2025-09-02. Review status: criteria provided, single submitter. Criteria: Ambry Variant Classification Scheme 2023. Collection method: clinical testing. Allele origin: germline.
Comment: The c.7826-1G>C intronic pathogenic mutation results from a G to C substitution one nucleotide upstream from coding exon 22 of the TNXB gene. In one study of autosomal recessive, pediatric-onset Ehlers-Danlos syndrome (EDS), this variant co-occurred with a second TNXB alteration in two affected individuals in one family; however, the phase of these alterations was not determined (Demirdas S et al. Clin. Genet., 2017 03;91:411-425). In a second study, this alteration was detected in trans with a second pathogenic TNXB alteration in an individual with classical-like EDS and progressive muscle weakness (Brisset M et al. Neuromuscul Disord. 2020; in press). This variant is considered to be rare based on population cohorts in the Genome Aggregation Database (gnomAD). In silico splice site analysis predicts that this alteration will weaken the native splice acceptor site and will result in the creation or strengthening of a novel splice acceptor site. Alterations that disrupt the canonical splice site are expected to cause aberrant splicing, resulting in an abnormal protein or a transcript that is subject to nonsense-mediated mRNA decay. Based on the supporting evidence, this alteration is interpreted as a disease-causing mutation.

PreventionGenetics, part of Exact Sciences
Classification: Likely pathogenic for TNXB-related condition. Last evaluated: 2024-12-30. Review status: criteria provided, single submitter. Criteria: ACMG Guidelines, 2015. Collection method: clinical testing. Allele origin: germline.
Comment: The TNXB c.7826-1G>C variant is predicted to disrupt the AG splice acceptor site and interfere with normal splicing. This variant has been reported in three individuals (two of them from 1 family) with Ehlers-Danlos syndrome together with 2nd loss of function variant (Demirdas et al. 2017. PubMed ID: 27582382; Brisset et al. 2020. PubMed ID: 32988710). This variant is reported in 0.0027% of alleles in individuals of European (Non-Finnish) descent in gnomAD. Variants that disrupt the consensus splice acceptor site in TNXB are expected to be pathogenic. This variant is interpreted as likely pathogenic.

Fulgent Genetics
Classification: Pathogenic for Ehlers-Danlos syndrome due to tenascin-X deficiency; Vesicoureteral reflux 8. Last evaluated: 2024-03-28. Review status: criteria provided, single submitter. Criteria: ACMG Guidelines, 2015. Collection method: clinical testing. Allele origin: germline.

GeneDx
Classification: Likely pathogenic. Last evaluated: 2024-03-20. Review status: criteria provided, single submitter. Criteria: GeneDx Variant Classification Process June 2021. Collection method: clinical testing. Allele origin: germline. Affected: yes.
Comment: Canonical splice site variant predicted to result in an in-frame loss of the adjacent exon in a gene for which loss of function is a known mechanism of disease; Not observed at significant frequency in large population cohorts (gnomAD); Reported in several patients with classical-like Ehlers-Danlos syndrome who also harbor additional loss of function variants in the TNXB gene (PMID: 27582382, 32988710); This variant is associated with the following publications: (PMID: 32988710, 27582382)

Labcorp Genetics (formerly Invitae), Labcorp
Classification: Likely pathogenic. Last evaluated: 2023-12-13. Review status: criteria provided, single submitter. Criteria: Invitae Variant Classification Sherloc (09022015). Collection method: clinical testing. Allele origin: germline.
Comment: This sequence change affects an acceptor splice site in intron 22 of the TNXB gene. It is expected to disrupt RNA splicing. Variants that disrupt the donor or acceptor splice site typically lead to a loss of protein function (PMID: 16199547), and loss-of-function variants in TNXB are known to be pathogenic (PMID: 9288108, 11642233). This variant is present in population databases (rs200357005, gnomAD 0.003%). Disruption of this splice site has been observed in individual(s) with clinical features of Ehlers-Danlos due to tenascin-X deficiency (PMID: 27582382, 32988710). ClinVar contains an entry for this variant (Variation ID: 1323700). Algorithms developed to predict the effect of sequence changes on RNA splicing suggest that this variant may disrupt the consensus splice site. In summary, the currently available evidence indicates that the variant is pathogenic, but additional data are needed to prove that conclusively. Therefore, this variant has been classified as Likely Pathogenic.

Revvity Omics, Revvity
Classification: Pathogenic for Vesicoureteral reflux 8. Last evaluated: 2019-12-12. Review status: criteria provided, single submitter. Criteria: ACMG Guidelines, 2015. Collection method: clinical testing. Allele origin: germline.

Literature cited by the submitters: PubMed 27582382 (cited by 3 submitters); PubMed 32988710 (cited by Women's Health and Genetics/Laboratory Corporation of America, LabCorp and Labcorp Genetics (formerly Invitae), Labcorp); PubMed 39807789 (cited by Women's Health and Genetics/Laboratory Corporation of America, LabCorp); PubMed 16199547 (cited by Labcorp Genetics (formerly Invitae), Labcorp); PubMed 9288108 (cited by Labcorp Genetics (formerly Invitae), Labcorp); PubMed 11642233 (cited by Labcorp Genetics (formerly Invitae), Labcorp).